The following is an entry in ClinVar:

NM_001184.4(ATR):c.1897C>G (p.Gln633Glu)

Gene: ATR (ATR checkpoint kinase; minus strand). Cytogenetic location: 3q23.
Variant type: single nucleotide variant.
Coding change: c.1897C>G on transcript NM_001184.4 (MANE Select); coding-DNA position 1897, C replaced by G.
Protein change: p.Gln633Glu; replaces glutamine 633 with glutamic acid.
Molecular consequence: missense variant.
Genome position (GRCh38, 1-based): chr3:142,556,564, G>C on the plus strand (C>G on the coding strand, the complement: ATR is on the minus strand). VCF-style: chr3-142556564-G-C. GRCh37 (hg19) VCF-style: chr3-142275406-G-C.
Other names: c.1705C>G, p.Gln569Glu (NM_001354579.2); short protein forms Q633E, Q569E.
Identifiers: ClinVar variation 3707346 (VCV003707346.2).
Genomic context (GRCh38, chr3:142,556,564, plus strand): 5'-TTCTCCACTCAAGGAATATTCTTCTTGGAAACAGAGTCAGAAGAAACACACATCGTGATT[G>C]TGCCTGTGGTGCTGAAAAAATTAAGTCTATTAAACAAGATTTCTACTAATGTTAATTTTA-3'
Protein context (NP_001175.2, residues 623-643): RISDSYSPQA[Gln633Glu]SRCVFLLTLF

ClinVar aggregate classification (germline): Uncertain significance (1 of 4 stars; one submission).

gnomAD v4.1: 1 of 1,613,906 alleles (0.000062%); highest among the groups gnomAD compares: Non-Finnish European, 0.000085%; no homozygotes.

Submission:

Labcorp Genetics (formerly Invitae), Labcorp
Classification: Uncertain significance. Last evaluated: 2024-08-19. Review status: criteria provided, single submitter. Criteria: Invitae Variant Classification Sherloc (09022015). Collection method: clinical testing. Allele origin: germline.
Comment: This sequence change replaces glutamine, which is neutral and polar, with glutamic acid, which is acidic and polar, at codon 633 of the ATR protein (p.Gln633Glu). This variant is not present in population databases (gnomAD no frequency). This variant has not been reported in the literature in individuals affected with ATR-related conditions. An algorithm developed to predict the effect of missense changes on protein structure and function (PolyPhen-2) suggests that this variant is likely to be tolerated. In summary, the available evidence is currently insufficient to determine the role of this variant in disease. Therefore, it has been classified as a Variant of Uncertain Significance.